The following is an entry in ClinVar:

NM_000059.4(BRCA2):c.8639C>G (p.Thr2880Arg)

Gene: BRCA2 (BRCA2 DNA repair associated; plus strand). Cytogenetic location: 13q13.1.
Variant type: single nucleotide variant.
Coding change: c.8639C>G on transcript NM_000059.4 (MANE Select); coding-DNA position 8639, C replaced by G.
Protein change: p.Thr2880Arg; replaces threonine 2880 with arginine.
Molecular consequence: missense variant.
Genome position (GRCh38, 1-based): chr13:32,376,676, C>G. VCF-style: chr13-32376676-C-G. GRCh37 (hg19) VCF-style: chr13-32950813-C-G.
Other names: short protein forms T2880R.
Identifiers: ClinVar variation 495509 (VCV000495509.3), dbSNP rs1555288123, ClinGen allele CA387754629.

ClinVar aggregate classification (germline): Conflicting classifications of pathogenicity. Review status: criteria provided, conflicting classifications (1 of 4 stars). 2 submissions from 2 submitters: Uncertain significance (1); Benign (1). Last evaluated 2025-05-19.

Conditions:
Hereditary cancer-predisposing syndrome. Also called: Tumor predisposition; Neoplastic Syndromes, Hereditary; Hereditary neoplastic syndrome; Hereditary Cancer Syndrome. Identifiers: Orphanet 140162, MedGen C0027672, MeSH D009386, MONDO:0015356.

Submissions (2):

Ambry Genetics
Classification: Benign for Hereditary cancer-predisposing syndrome. Last evaluated: 2025-05-19. Review status: criteria provided, single submitter. Criteria: Ambry Variant Classification Scheme 2023. Collection method: clinical testing. Allele origin: germline.

Women's Health and Genetics/Laboratory Corporation of America, LabCorp
Classification: Uncertain significance. Last evaluated: 2016-03-10. Review status: criteria provided, single submitter. Criteria: LabCorp Variant Classification Summary - May 2015. Collection method: clinical testing. Allele origin: germline.
Comment: Variant summary: c.8639C>G affects a non-conserved nucleotide, resulting in amino acid change from Thr to Arg. 3/4 in-silico tools predict this variant to be benign (SNPs&GO not captured due to low reliability index). This variant was not found in 119570 control chromosomes. The variant of interest has not been reported in affected individuals via publications and/or reputable databases/clinical laboratories; nor evaluated for functional impact by in vivo/vitro studies. Because of the absence of clinical information and the lack of functional studies, the variant was classified as a variant of uncertain significance (VUS) until additional information becomes available.